The following is an entry in ClinVar:

ClinVar aggregate classification (germline): Uncertain significance (1 of 4 stars; one submission).

gnomAD v4.1: 37 of 1,613,924 alleles (0.0023%); highest among the groups gnomAD compares: Non-Finnish European, 0.0029%; no homozygotes.

Submission:

Labcorp Genetics (formerly Invitae), Labcorp
Classification: Uncertain significance. Last evaluated: 2024-05-18. Review status: criteria provided, single submitter. Criteria: Invitae Variant Classification Sherloc (09022015). Collection method: clinical testing. Allele origin: germline.
Comment: This sequence change replaces alanine, which is neutral and non-polar, with serine, which is neutral and polar, at codon 746 of the POP1 protein (p.Ala746Ser). This variant is present in population databases (rs757151844, gnomAD 0.008%). This variant has not been reported in the literature in individuals affected with POP1-related conditions. An algorithm developed to predict the effect of missense changes on protein structure and function (PolyPhen-2) suggests that this variant is likely to be tolerated. In summary, the available evidence is currently insufficient to determine the role of this variant in disease. Therefore, it has been classified as a Variant of Uncertain Significance.

NM_001145860.2(POP1):c.2236G>T (p.Ala746Ser)

Gene: POP1 (POP1 ribonuclease P/MRP subunit; plus strand). Cytogenetic location: 8q22.2.
Variant type: single nucleotide variant.
Coding change: c.2236G>T on transcript NM_001145860.2 (MANE Select); coding-DNA position 2236, G replaced by T.
Protein change: p.Ala746Ser; replaces alanine 746 with serine.
Molecular consequence: missense variant.
Genome position (GRCh38, 1-based): chr8:98,156,228, G>T. VCF-style: chr8-98156228-G-T. GRCh37 (hg19) VCF-style: chr8-99168456-G-T.
Other names: c.2236G>T, p.Ala746Ser (NM_001145861.2, NM_015029.3); short protein forms A746S.
Identifiers: ClinVar variation 3624015 (VCV003624015.2).